The following is an entry in ClinVar:

ClinVar aggregate classification (germline): Uncertain significance (1 of 4 stars; one submission).

Conditions:
Loeys-Dietz syndrome 4 (LDS4). Also called: ANEURYSM, AORTIC AND CEREBRAL, WITH ARTERIAL TORTUOSITY AND SKELETAL MANIFESTATIONS; TGFB2-Related Loeys-Dietz Syndrome. Identifiers: MedGen C3553762, MONDO:0013897, OMIM 614816.

Allele frequency attached by ClinVar (database versions not stated): gnomAD exomes below 0.00001.
gnomAD v4.1: 1 of 1,614,172 alleles (0.000062%); highest among the groups gnomAD compares: Admixed American, 0.0017%; no homozygotes.

Submission:

Labcorp Genetics (formerly Invitae), Labcorp
Classification: Uncertain significance for Loeys-Dietz syndrome 4. Last evaluated: 2023-09-29. Review status: criteria provided, single submitter. Criteria: Invitae Variant Classification Sherloc (09022015). Collection method: clinical testing. Allele origin: germline.
Comment: This sequence change replaces proline, which is neutral and non-polar, with serine, which is neutral and polar, at codon 58 of the TGFB2 protein (p.Pro58Ser). In summary, the available evidence is currently insufficient to determine the role of this variant in disease. Therefore, it has been classified as a Variant of Uncertain Significance. Advanced modeling of protein sequence and biophysical properties (such as structural, functional, and spatial information, amino acid conservation, physicochemical variation, residue mobility, and thermodynamic stability) performed at Invitae indicates that this missense variant is not expected to disrupt TGFB2 protein function. This variant has not been reported in the literature in individuals affected with TGFB2-related conditions. This variant is present in population databases (no rsID available, gnomAD 0.003%).

NM_003238.6(TGFB2):c.172C>T (p.Pro58Ser)

Gene: TGFB2 (transforming growth factor beta 2; plus strand). Cytogenetic location: 1q41.
Variant type: single nucleotide variant.
Coding change: c.172C>T on transcript NM_003238.6 (MANE Select); coding-DNA position 172, C replaced by T.
Protein change: p.Pro58Ser; replaces proline 58 with serine.
Molecular consequence: missense variant. On other transcripts: non-coding transcript variant (2).
Genome position (GRCh38, 1-based): chr1:218,346,873, C>T. VCF-style: chr1-218346873-C-T. GRCh37 (hg19) VCF-style: chr1-218520215-C-T.
Other names: c.172C>T, p.Pro58Ser (NM_001135599.4); short protein forms P58S.
Identifiers: ClinVar variation 3010826 (VCV003010826.3), dbSNP rs1359839189, ClinGen allele CA344725448.